The following is an entry in ClinVar:

ClinVar aggregate classification (germline): Uncertain significance. Review status: criteria provided, multiple submitters, no conflicts (2 of 4 stars). 2 submissions from 2 submitters: Uncertain significance (2). Last evaluated 2025-05-05.

Conditions:
Familial focal epilepsy with variable foci (FPEVF). Identifiers: Orphanet 98820, MedGen C1858477, MONDO:0020310.
Inborn genetic diseases. Identifiers: MedGen C0950123, MeSH D030342.

Allele frequency attached by ClinVar (database versions not stated): gnomAD 0.00003 and 0.00004; TOPMed 0.00003.
gnomAD v4.1: 72 of 1,612,462 alleles (0.0045%); highest among the groups gnomAD compares: Non-Finnish European, 0.0059%; no homozygotes.

Submissions (2):

Ambry Genetics
Classification: Uncertain significance for Inborn genetic diseases. Last evaluated: 2025-05-05. Review status: criteria provided, single submitter. Criteria: Ambry Variant Classification Scheme 2023. Collection method: clinical testing. Allele origin: germline.

Labcorp Genetics (formerly Invitae), Labcorp
Classification: Uncertain significance for Familial focal epilepsy with variable foci. Last evaluated: 2024-10-29. Review status: criteria provided, single submitter. Criteria: Invitae Variant Classification Sherloc (09022015). Collection method: clinical testing. Allele origin: germline.
Comment: This sequence change replaces glutamine, which is neutral and polar, with proline, which is neutral and non-polar, at codon 1069 of the DEPDC5 protein (p.Gln1069Pro). This variant is present in population databases (rs761678944, gnomAD 0.002%). This variant has not been reported in the literature in individuals affected with DEPDC5-related conditions. ClinVar contains an entry for this variant (Variation ID: 646946). An algorithm developed to predict the effect of missense changes on protein structure and function outputs the following: PolyPhen-2: "Not Available". The proline amino acid residue is found in multiple mammalian species, which suggests that this missense change does not adversely affect protein function. In summary, the available evidence is currently insufficient to determine the role of this variant in disease. Therefore, it has been classified as a Variant of Uncertain Significance.

NM_001242896.3(DEPDC5):c.3206A>C (p.Gln1069Pro)

Gene: DEPDC5 (DEP domain containing 5, GATOR1 subcomplex subunit; plus strand). Cytogenetic location: 22q12.3.
Variant type: single nucleotide variant.
Coding change: c.3206A>C on transcript NM_001242896.3 (MANE Select); coding-DNA position 3206, A replaced by C.
Protein change: p.Gln1069Pro; replaces glutamine 1069 with proline.
Molecular consequence: missense variant. On other transcripts: non-coding transcript variant (5).
Genome position (GRCh38, 1-based): chr22:31,857,495, A>C. VCF-style: chr22-31857495-A-C. GRCh37 (hg19) VCF-style: chr22-32253481-A-C.
Other names: c.3179A>C, p.Gln1060Pro (NM_001136029.4, NM_001369903.1, NM_014662.6); c.2972A>C, p.Gln991Pro (NM_001242897.2, NM_001363854.2, NM_001364319.2); c.3206A>C, p.Gln1069Pro (NM_001363852.2, NM_001364318.2, NM_001364320.2); c.3122A>C, p.Gln1041Pro (NM_001369901.1, NM_001369902.1); short protein forms Q1069P, Q1060P, Q1041P, Q991P.
Identifiers: ClinVar variation 646946 (VCV000646946.13), dbSNP rs761678944, ClinGen allele CA10196904.